The following is an entry in ClinVar:

NM_000166.6(GJB1):c.565G>A (p.Val189Ile)

Gene: GJB1 (gap junction protein beta 1; plus strand). Cytogenetic location: Xq13.1.
Variant type: single nucleotide variant.
Coding change: c.565G>A on transcript NM_000166.6 (MANE Select); coding-DNA position 565, G replaced by A.
Protein change: p.Val189Ile; replaces valine 189 with isoleucine.
Molecular consequence: missense variant.
Genome position (GRCh38, 1-based): chrX:71,224,272, G>A. VCF-style: chrX-71224272-G-A. GRCh37 (hg19) VCF-style: chrX-70444122-G-A.
Other names: c.565G>A, p.Val189Ile (NM_001097642.3); short protein forms V189I.
Identifiers: ClinVar variation 477602 (VCV000477602.12), dbSNP rs770116247, ClinGen allele CA10445316.

ClinVar aggregate classification (germline): Conflicting classifications of pathogenicity. Review status: criteria provided, conflicting classifications (1 of 4 stars). 6 submissions from 6 submitters: Uncertain significance (3); Likely benign (1). 2 of the submissions do not count toward it. Last evaluated 2026-04-23.

Conditions:
Inborn genetic diseases. Identifiers: MedGen C0950123, MeSH D030342.
Charcot-Marie-Tooth disease. Also called: Charcot-Marie-Tooth Neuropathy; Charcot-Marie-Tooth Hereditary Neuropathy. Identifiers: Orphanet 166, MedGen C0007959, MONDO:0015626.
Charcot-Marie-Tooth Neuropathy X. Identifiers: MedGen CN118851.
Charcot-Marie-Tooth disease X-linked dominant 1. Also called: X-linked Charcot-Marie-Tooth disease type 1; GJB1 Disorders: Charcot-Marie-Tooth Neuropathy (CMT1X) and Central Nervous System Phenotypes; CHARCOT-MARIE-TOOTH NEUROPATHY, X-LINKED, 1; CHARCOT-MARIE-TOOTH PERONEAL MUSCULAR ATROPHY, X-LINKED; HEREDITARY MOTOR AND SENSORY NEUROPATHY, X-LINKED; HMSN, X-LINKED. Identifiers: Orphanet 101075, MedGen C0393808, MONDO:0010549, OMIM 302800.

Allele frequency attached by ClinVar (database versions not stated): ExAC 0.00001; TOPMed 0.00002; gnomAD exomes 0.00001; gnomAD 0.00003.

Submissions (6):

GeneDx
Classification: Uncertain significance. Last evaluated: 2026-04-23. Review status: criteria provided, single submitter. Criteria: GeneDx Variant Classification Process June 2021. Collection method: clinical testing. Allele origin: germline.
Comment: Missense variants in this gene are a common cause of disease and they are underrepresented in the general population; In silico analysis suggests that this missense variant does not alter protein structure/function; This variant is associated with the following publications: (PMID: 9361298, 36755623, 41757265)

Labcorp Genetics (formerly Invitae), Labcorp
Classification: Likely benign for Charcot-Marie-Tooth Neuropathy X. Last evaluated: 2023-10-08. Review status: criteria provided, single submitter. Criteria: Invitae Variant Classification Sherloc (09022015). Collection method: clinical testing. Allele origin: germline.

Fulgent Genetics
Classification: Uncertain significance for Charcot-Marie-Tooth disease X-linked dominant 1. Last evaluated: 2022-04-12. Review status: criteria provided, single submitter. Criteria: ACMG Guidelines, 2015. Collection method: clinical testing. Allele origin: unknown.

Ambry Genetics
Classification: Uncertain significance for Inborn genetic diseases. Last evaluated: 2019-12-06. Review status: criteria provided, single submitter. Criteria: Ambry Variant Classification Scheme 2023. Collection method: clinical testing. Allele origin: germline.
Comment: The p.V189I variant (also known as c.565G>A), located in coding exon 1 of the GJB1 gene, results from a G to A substitution at nucleotide position 565. The valine at codon 189 is replaced by isoleucine, an amino acid with highly similar properties. This amino acid position is not well conserved in available vertebrate species, and isoleucine is the reference amino acid in other vertebrate species. In addition, the in silico prediction for this alteration is inconclusive. Since supporting evidence is limited at this time, the clinical significance of this alteration remains unclear.

Natera, Inc.
Classification: Uncertain significance for Charcot-Marie-Tooth disease. Last evaluated: 2020-09-16. Review status: no assertion criteria provided. Collection method: clinical testing. Allele origin: germline. Not counted in ClinVar's aggregate classification.

Inherited Neuropathy Consortium
Classification: Uncertain significance for Charcot-Marie-Tooth disease. Review status: no assertion criteria provided. Collection method: literature only. Allele origin: germline. Affected: yes. Not counted in ClinVar's aggregate classification.

Literature cited by the submitters: PubMed 9361298 (cited by Inherited Neuropathy Consortium).